The following is an entry in ClinVar:

ClinVar aggregate classification (germline): Uncertain significance (1 of 4 stars; one submission).

Submission:

Labcorp Genetics (formerly Invitae), Labcorp
Classification: Uncertain significance. Last evaluated: 2018-08-27. Review status: criteria provided, single submitter. Criteria: Invitae Variant Classification Sherloc (09022015). Collection method: clinical testing. Allele origin: germline.
Comment: This variant has not been reported in the literature in individuals with POLE-related disease. This sequence change falls in intron 25 of the POLE gene. It does not directly change the encoded amino acid sequence of the POLE protein, but it affects a nucleotide within the consensus splice site of the intron. This variant is not present in population databases (ExAC no frequency). Nucleotide substitutions within the consensus splice site are a relatively common cause of aberrant splicing (PMID: 17576681, 9536098). Algorithms developed to predict the effect of sequence changes on RNA splicing suggest that this variant may disrupt the consensus splice site, but this prediction has not been confirmed by published transcriptional studies. In summary, the available evidence is currently insufficient to determine the role of this variant in disease. Therefore, it has been classified as a Variant of Uncertain Significance.

Literature cited by the submitters: PubMed 17576681; PubMed 9536098.

NM_006231.4(POLE):c.3060+1_3060+2dup

Gene: POLE (DNA polymerase epsilon, catalytic subunit; minus strand). Cytogenetic location: 12q24.33.
Variant type: Duplication.
Coding change: c.3060+1_3060+2dup on transcript NM_006231.4 (MANE Select); the canonical splice donor site of the intron after coding-DNA position 3060, 2 bases duplicated (GT; older notation c.3060+1_3060+2dupGT).
Molecular consequence: splice donor variant.
Genome position (GRCh38, 1-based): chr12:132,660,967-132,660,968, AC duplicated on the plus strand (GT on the coding strand, the reverse complement: POLE is on the minus strand). VCF-style (leftmost placement, unchanged base first): chr12-132660966-T-TAC. GRCh37 (hg19) VCF-style: chr12-133237552-T-TAC.
Other names: c.3060+1_3060+2dupGT (NM_006231.3).
Identifiers: ClinVar variation 663495 (VCV000663495.6), dbSNP rs1593775678, ClinGen allele CA915946840.